The following is an entry in ClinVar:

ClinVar aggregate classification (germline): Uncertain significance. Review status: criteria provided, multiple submitters, no conflicts (2 of 4 stars). 2 submissions from 2 submitters: Uncertain significance (2). Last evaluated 2023-01-07.

Conditions:
Familial adenomatous polyposis 1 (FAP1). Also called: FAMILIAL ADENOMATOUS POLYPOSIS 1, ATTENUATED; POLYPOSIS, ADENOMATOUS INTESTINAL. Identifiers: MedGen C2713442, MONDO:0021056, OMIM 175100. Disease mechanism: loss of function.
Hereditary cancer-predisposing syndrome. Also called: Hereditary Cancer Syndrome; Tumor predisposition; Hereditary neoplastic syndrome; Neoplastic Syndromes, Hereditary. Identifiers: Orphanet 140162, MedGen C0027672, MeSH D009386, MONDO:0015356.

gnomAD v4.1: 5 of 1,613,640 alleles (0.00031%); highest among the groups gnomAD compares: East Asian, 0.0022%; no homozygotes.

Submissions (2):

Ambry Genetics
Classification: Uncertain significance for Hereditary cancer-predisposing syndrome. Last evaluated: 2023-01-07. Review status: criteria provided, single submitter. Criteria: Ambry Variant Classification Scheme 2023. Collection method: clinical testing. Allele origin: germline.
Comment: The p.T1258A variant (also known as c.3772A>G), located in coding exon 15 of the APC gene, results from an A to G substitution at nucleotide position 3772. The threonine at codon 1258 is replaced by alanine, an amino acid with similar properties. This amino acid position is conserved. In addition, in silico predictors for this gene do not accurately predict pathogenicity. Since supporting evidence is limited at this time, the clinical significance of this alteration remains unclear.

Labcorp Genetics (formerly Invitae), Labcorp
Classification: Uncertain significance for Familial adenomatous polyposis 1. Last evaluated: 2020-12-04. Review status: criteria provided, single submitter. Criteria: Invitae Variant Classification Sherloc (09022015). Collection method: clinical testing. Allele origin: germline.
Comment: In summary, the available evidence is currently insufficient to determine the role of this variant in disease. Therefore, it has been classified as a Variant of Uncertain Significance. Algorithms developed to predict the effect of missense changes on protein structure and function are either unavailable or do not agree on the potential impact of this missense change (SIFT: "Tolerated"; PolyPhen-2: "Probably Damaging"; Align-GVGD: "Class C0"). This variant has not been reported in the literature in individuals with APC-related disease. This variant is not present in population databases (ExAC no frequency). This sequence change replaces threonine with alanine at codon 1258 of the APC protein (p.Thr1258Ala). The threonine residue is highly conserved and there is a small physicochemical difference between threonine and alanine.

NM_000038.6(APC):c.3772A>G (p.Thr1258Ala)

Gene: APC (APC regulator of Wnt signaling pathway; plus strand). Cytogenetic location: 5q22.2.
Variant type: single nucleotide variant.
Coding change: c.3772A>G on transcript NM_000038.6 (MANE Select); coding-DNA position 3772, A replaced by G.
Protein change: p.Thr1258Ala; replaces threonine 1258 with alanine.
Molecular consequence: missense variant.
Genome position (GRCh38, 1-based): chr5:112,839,366, A>G. VCF-style: chr5-112839366-A-G. GRCh37 (hg19) VCF-style: chr5-112175063-A-G.
Other names: c.3772A>G, p.Thr1258Ala (NM_001127510.3, NM_001354895.2); c.3718A>G, p.Thr1240Ala (NM_001127511.3); c.3826A>G, p.Thr1276Ala (NM_001354896.2); c.3802A>G, p.Thr1268Ala (NM_001354897.2); c.3697A>G, p.Thr1233Ala (NM_001354898.2); c.3688A>G, p.Thr1230Ala (NM_001354899.2); c.3649A>G, p.Thr1217Ala (NM_001354900.2); c.3595A>G, p.Thr1199Ala (NM_001354901.2); and 5 more; short protein forms T1132A, T1167A, T1217A, T1098A, T1230A, T1240A, T975A, T1157A.
Identifiers: ClinVar variation 646757 (VCV000646757.12), dbSNP rs774968240, ClinGen allele CA16029607.
Genomic context (GRCh38, chr5:112,839,366, plus strand): 5'-AGTAGAAGTGGTCAGCCTCAAAAGGCTGCCACTTGCAAAGTTTCTTCTATTAACCAAGAA[A>G]CAATACAGACTTATTGTGTAGAAGATACTCCAATATGTTTTTCAAGATGTAGTTCATTAT-3'
Protein context (NP_000029.2, residues 1248-1268): TCKVSSINQE[Thr1258Ala]IQTYCVEDTP